The following is an entry in ClinVar:

NM_003177.7(SYK):c.1559G>A (p.Arg520His)

Gene: SYK (spleen associated tyrosine kinase; plus strand). Cytogenetic location: 9q22.2.
Variant type: single nucleotide variant.
Coding change: c.1559G>A on transcript NM_003177.7 (MANE Select); coding-DNA position 1559, G replaced by A.
Protein change: p.Arg520His; replaces arginine 520 with histidine.
Molecular consequence: missense variant.
Genome position (GRCh38, 1-based): chr9:90,878,931, G>A. VCF-style: chr9-90878931-G-A. GRCh37 (hg19) VCF-style: chr9-93641213-G-A.
Other names: c.1490G>A, p.Arg497His (NM_001135052.4, NM_001174168.3); c.1559G>A, p.Arg520His (NM_001174167.3); short protein forms R497H, R520H.
Identifiers: ClinVar variation 2659299 (VCV002659299.24), dbSNP rs763539783, ClinGen allele CA5119520.

ClinVar aggregate classification (germline): Likely benign (1 of 4 stars; one submission).

Allele frequency attached by ClinVar (database versions not stated): TOPMed below 0.00001; gnomAD exomes 0.00001; ExAC 0.00002.
gnomAD v4.1: 18 of 1,611,684 alleles (0.0011%); highest among the groups gnomAD compares: Middle Eastern, 0.017%; no homozygotes.

Submission:

CeGaT Center for Human Genetics Tuebingen
Classification: Likely benign. Last evaluated: 2022-09-01. Review status: criteria provided, single submitter. Criteria: CeGaT Center For Human Genetics Tuebingen Variant Classification Criteria Version 2. Collection method: clinical testing. Allele origin: germline. Affected: yes. Observed: 1 variant allele.
Comment: SYK: BP4